The following is an entry in ClinVar:

ClinVar aggregate classification (germline): Likely pathogenic (1 of 4 stars; one submission).

Conditions:
Nemaline myopathy 2 (NEM2). Also called: Nemaline myopathy 2, autosomal recessive. Identifiers: MedGen C1850569, MONDO:0009725, OMIM 256030.

Submission:

Natera, Inc.
Classification: Likely pathogenic for Nemaline myopathy type 2. Last evaluated: 2025-07-30. Review status: criteria provided, single submitter. Criteria: Natera Variant Classification Schema (03/2026). Collection method: clinical testing. Allele origin: germline.
Comment: The c.4665del variant in NEB is a frameshift variant predicted to shift the reading frame beginning at codon 1555 and leads to a stop codon 49 codons downstream. This variant is expected to result in nonsense mediated decay, truncation, or a dysfunctional protein product. This variant is rare in the general population with a frequency below the threshold expected for the associated phenotype(s). Given the available evidence, this variant is classified as Likely Pathogenic.

NM_001164508.2(NEB):c.4665del (p.Arg1555fs)

Gene: NEB (nebulin; minus strand). Cytogenetic location: 2q23.3.
Variant type: Deletion.
Coding change: c.4665del on transcript NM_001164508.2 (MANE Select); coding-DNA position 4665, one base deleted (A; older notation c.4665delA).
Protein change: p.Arg1555fs; shifts the reading frame from arginine 1555.
Molecular consequence: frameshift variant.
Genome position (GRCh38, 1-based): chr2:151,667,858, T deleted on the plus strand (A on the coding strand, the reverse complement: NEB is on the minus strand). VCF-style (leftmost placement, unchanged base first): chr2-151667857-GT-G. GRCh37 (hg19) VCF-style: chr2-152524371-GT-G.
Other names: c.4665del, p.Arg1555fs (NM_001164507.2, NM_001271208.2, NM_004543.5); c.4665delA, p.Arg1555Serfs (NM_001271208.1); short protein forms R1555fs.
Identifiers: ClinVar variation 4814775 (VCV004814775.1).